The following is an entry in ClinVar:

NM_002519.3(NPAT):c.763A>C (p.Ser255Arg)

Gene: NPAT (nuclear protein, coactivator of histone transcription; minus strand). Cytogenetic location: 11q22.3.
Variant type: single nucleotide variant.
Coding change: c.763A>C on transcript NM_002519.3 (MANE Select); coding-DNA position 763, A replaced by C.
Protein change: p.Ser255Arg; replaces serine 255 with arginine.
Molecular consequence: missense variant.
Genome position (GRCh38, 1-based): chr11:108,185,458, T>G on the plus strand (A>C on the coding strand, the complement: NPAT is on the minus strand). VCF-style: chr11-108185458-T-G. GRCh37 (hg19) VCF-style: chr11-108056185-T-G.
Other names: c.763A>C, p.Ser255Arg (NM_001321307.1); short protein forms S255R.
Identifiers: ClinVar variation 3407148 (VCV003407148.1).

ClinVar aggregate classification (germline): Uncertain significance (1 of 4 stars; one submission).

gnomAD v4.1: 3 of 1,612,044 alleles (0.00019%); highest among the groups gnomAD compares: South Asian, 0.0022%; no homozygotes.

Submission:

Ambry Genetics
Classification: Uncertain significance. Last evaluated: 2024-09-09. Review status: criteria provided, single submitter. Criteria: Ambry Variant Classification Scheme 2023. Collection method: clinical testing. Allele origin: germline.
Comment: The p.S255R variant (also known as c.763A>C), located in coding exon 9 of the NPAT gene, results from an A to C substitution at nucleotide position 763. The serine at codon 255 is replaced by arginine, an amino acid with dissimilar properties. This amino acid position is conserved. In addition, this alteration is predicted to be tolerated by in silico analysis. Based on the available evidence, the clinical significance of this variant remains unclear.